The following is an entry in ClinVar:

ClinVar aggregate classification (germline): Uncertain significance (1 of 4 stars; one submission).

Conditions:
X-linked lymphoproliferative disease due to XIAP deficiency. Also called: XIAP-Related Lymphoproliferative Disease, X-Linked; XIAP DEFICIENCY. Identifiers: Orphanet 2442, Orphanet 538934, MedGen C1845076, MONDO:0010385, OMIM 300635.

Allele frequency attached by ClinVar (database versions not stated): gnomAD 0.00001.
gnomAD v4.1: 1 of 1,209,735 alleles (0.000083%); highest among the groups gnomAD compares: African/African-American, 0.0018%; no homozygotes.

Submission:

Labcorp Genetics (formerly Invitae), Labcorp
Classification: Uncertain significance for X-linked lymphoproliferative disease due to XIAP deficiency. Last evaluated: 2023-12-15. Review status: criteria provided, single submitter. Criteria: Invitae Variant Classification Sherloc (09022015). Collection method: clinical testing. Allele origin: germline.
Comment: This sequence change replaces aspartic acid, which is acidic and polar, with glycine, which is neutral and non-polar, at codon 420 of the XIAP protein (p.Asp420Gly). This variant is not present in population databases (gnomAD no frequency). This variant has not been reported in the literature in individuals affected with XIAP-related conditions. Advanced modeling of protein sequence and biophysical properties (such as structural, functional, and spatial information, amino acid conservation, physicochemical variation, residue mobility, and thermodynamic stability) performed at Invitae indicates that this missense variant is not expected to disrupt XIAP protein function with a negative predictive value of 80%. In summary, the available evidence is currently insufficient to determine the role of this variant in disease. Therefore, it has been classified as a Variant of Uncertain Significance.

NM_001167.4(XIAP):c.1259A>G (p.Asp420Gly)

Gene: XIAP (X-linked inhibitor of apoptosis; plus strand). Cytogenetic location: Xq25.
Variant type: single nucleotide variant.
Coding change: c.1259A>G on transcript NM_001167.4 (MANE Select); coding-DNA position 1259, A replaced by G.
Protein change: p.Asp420Gly; replaces aspartic acid 420 with glycine.
Molecular consequence: missense variant. On other transcripts: non-coding transcript variant (2).
Genome position (GRCh38, 1-based): chrX:123,900,652, A>G. VCF-style: chrX-123900652-A-G. GRCh37 (hg19) VCF-style: chrX-123034502-A-G.
Other names: c.1259A>G, p.Asp420Gly (NM_001378591.1, NM_001204401.2, NM_001378592.1 and 1 more transcripts); short protein forms D420G.
Identifiers: ClinVar variation 2695132 (VCV002695132.3), dbSNP rs2053507344, ClinGen allele CA414127516.